The following is an entry in ClinVar:

ClinVar aggregate classification (germline): Uncertain significance (1 of 4 stars; one submission).

Conditions:
Arrhythmogenic right ventricular dysplasia 8 (ARVD8). Also called: Arrhythmogenic Right Ventricular Dysplasia/Cardiomyopathy 8; ARRHYTHMOGENIC RIGHT VENTRICULAR DYSPLASIA, FAMILIAL, 8; ARRHYTHMOGENIC RIGHT VENTRICULAR CARDIOMYOPATHY 8. Identifiers: MedGen C1843896, MONDO:0011831, OMIM 607450.
Arrhythmogenic cardiomyopathy with wooly hair and keratoderma. Also called: PALMOPLANTAR KERATODERMA WITH LEFT VENTRICULAR CARDIOMYOPATHY AND WOOLLY HAIR; Dilated cardiomyopathy with woolly hair and keratoderma; Arrhythmogenic cardiomyopathy with woolly hair and keratoderma; Carvajal syndrome. Identifiers: Orphanet 65282, MedGen C1854063, MONDO:0011581, OMIM 605676.

gnomAD v4.1: 1 of 1,613,914 alleles (0.000062%); highest among the groups gnomAD compares: Non-Finnish European, 0.000085%; no homozygotes.

Submission:

Labcorp Genetics (formerly Invitae), Labcorp
Classification: Uncertain significance for Arrhythmogenic cardiomyopathy with wooly hair and keratoderma; Arrhythmogenic right ventricular dysplasia 8. Last evaluated: 2025-07-02. Review status: criteria provided, single submitter. Criteria: Invitae Variant Classification Sherloc (09022015). Collection method: clinical testing. Allele origin: germline.
Comment: This sequence change falls in intron 9 of the DSP gene. It does not directly change the encoded amino acid sequence of the DSP protein. It affects a nucleotide within the consensus splice site. This variant is not present in population databases (gnomAD no frequency). This variant has not been reported in the literature in individuals affected with DSP-related conditions. Variants that disrupt the consensus splice site are a relatively common cause of aberrant splicing (PMID: 17576681, 9536098). Algorithms developed to predict the effect of sequence changes on RNA splicing suggest that this variant is not likely to affect RNA splicing. In summary, the available evidence is currently insufficient to determine the role of this variant in disease. Therefore, it has been classified as a Variant of Uncertain Significance.

Literature cited by the submitters: PubMed 17576681; PubMed 9536098.

NM_004415.4(DSP):c.1141-3C>A

Gene: DSP (desmoplakin; plus strand). Cytogenetic location: 6p24.3.
Variant type: single nucleotide variant.
Coding change: c.1141-3C>A on transcript NM_004415.4 (MANE Select); 3 bases into the intron before coding-DNA position 1141, C replaced by A.
Molecular consequence: intron variant.
Genome position (GRCh38, 1-based): chr6:7,567,778, C>A. VCF-style: chr6-7567778-C-A. GRCh37 (hg19) VCF-style: chr6-7568011-C-A.
Other names: c.1141-3C>A (NM_001319034.2, NM_001008844.3, NM_001406591.1).
Identifiers: ClinVar variation 4794350 (VCV004794350.1).